The following is an entry in ClinVar:

NM_001034853.2(RPGR):c.865A>C (p.Ile289Leu)

Gene: RPGR (retinitis pigmentosa GTPase regulator; minus strand). Cytogenetic location: Xp11.4.
Variant type: single nucleotide variant.
Coding change: c.865A>C on transcript NM_001034853.2 (MANE Select); coding-DNA position 865, A replaced by C.
Protein change: p.Ile289Leu; replaces isoleucine 289 with leucine.
Molecular consequence: missense variant. On other transcripts: non-coding transcript variant (5).
Genome position (GRCh38, 1-based): chrX:38,304,704, T>G on the plus strand (A>C on the coding strand, the complement: RPGR is on the minus strand). VCF-style: chrX-38304704-T-G. GRCh37 (hg19) VCF-style: chrX-38163957-T-G.
Other names: c.865A>C, p.Ile289Leu (NM_000328.3, NM_001367246.1, NM_001367247.1 and 1 more transcripts); c.862A>C, p.Ile288Leu (NM_001367245.1, NM_001367249.1, NM_001367250.1); c.895A>C, p.Ile299Leu (NM_001367248.1); short protein forms I289L, I288L, I299L.
Identifiers: ClinVar variation 3662947 (VCV003662947.2).

ClinVar aggregate classification (germline): Uncertain significance (1 of 4 stars; one submission).

Conditions:
Primary ciliary dyskinesia. Also called: Ciliary dyskinesia. Identifiers: Orphanet 244, MedGen C0008780, MONDO:0016575, HP:0012265.

gnomAD v4.1: 1 of 1,201,824 alleles (0.000083%); highest among the groups gnomAD compares: African/African-American, 0.0018%; no homozygotes.

Submission:

Labcorp Genetics (formerly Invitae), Labcorp
Classification: Uncertain significance for Primary ciliary dyskinesia. Last evaluated: 2024-08-20. Review status: criteria provided, single submitter. Criteria: Invitae Variant Classification Sherloc (09022015). Collection method: clinical testing. Allele origin: germline.
Comment: This sequence change replaces isoleucine, which is neutral and non-polar, with leucine, which is neutral and non-polar, at codon 289 of the RPGR protein (p.Ile289Leu). This variant is not present in population databases (gnomAD no frequency). This variant has not been reported in the literature in individuals affected with RPGR-related conditions. Invitae Evidence Modeling of protein sequence and biophysical properties (such as structural, functional, and spatial information, amino acid conservation, physicochemical variation, residue mobility, and thermodynamic stability) indicates that this missense variant is not expected to disrupt RPGR protein function with a negative predictive value of 95%. In summary, the available evidence is currently insufficient to determine the role of this variant in disease. Therefore, it has been classified as a Variant of Uncertain Significance.